The following is an entry in ClinVar:

NM_001134363.3(RBM20):c.1174C>T (p.Arg392Trp)

Gene: RBM20 (RNA binding motif protein 20; plus strand). Cytogenetic location: 10q25.2.
Variant type: single nucleotide variant.
Coding change: c.1174C>T on transcript NM_001134363.3 (MANE Select); coding-DNA position 1174, C replaced by T.
Protein change: p.Arg392Trp; replaces arginine 392 with tryptophan.
Molecular consequence: missense variant.
Genome position (GRCh38, 1-based): chr10:110,781,783, C>T. VCF-style: chr10-110781783-C-T. GRCh37 (hg19) VCF-style: chr10-112541541-C-T.
Other names: c.1174C>T (NM_001134363.1); short protein forms R392W.
Identifiers: ClinVar variation 857888 (VCV000857888.10), dbSNP rs771764951, ClinGen allele CA213235122.

ClinVar aggregate classification (germline): Conflicting classifications of pathogenicity. Review status: criteria provided, conflicting classifications (1 of 4 stars). 2 submissions from 2 submitters: Uncertain significance (1); Likely benign (1). Last evaluated 2025-11-12.

Conditions:
Cardiovascular phenotype. Identifiers: MedGen CN230736.
Dilated cardiomyopathy 1DD (CMD1DD). Identifiers: Orphanet 154, MedGen C2750995, MONDO:0013168, OMIM 613172.

Allele frequency attached by ClinVar (database versions not stated): gnomAD exomes 0.00001.

Submissions (2):

Ambry Genetics
Classification: Uncertain significance for Cardiovascular phenotype. Last evaluated: 2025-11-12. Review status: criteria provided, single submitter. Criteria: Ambry Variant Classification Scheme 2023. Collection method: clinical testing. Allele origin: germline.
Comment: The p.R392W variant (also known as c.1174C>T), located in coding exon 2 of the RBM20 gene, results from a C to T substitution at nucleotide position 1174. The arginine at codon 392 is replaced by tryptophan, an amino acid with dissimilar properties. This variant was reported in individual(s) with features consistent with dilated cardiomyopathy (DCM) (Hey TM et al. Circ Heart Fail, 2019 Mar;12:e005700). This amino acid position is well conserved in available vertebrate species. In addition, the in silico prediction for this alteration is inconclusive. Based on the available evidence, the clinical significance of this variant remains unclear.

Labcorp Genetics (formerly Invitae), Labcorp
Classification: Likely benign for Dilated cardiomyopathy 1DD. Last evaluated: 2025-06-15. Review status: criteria provided, single submitter. Criteria: Invitae Variant Classification Sherloc (09022015). Collection method: clinical testing. Allele origin: germline.

Literature cited by the submitters: PubMed 30871348 (cited by Ambry Genetics).